The following is an entry in ClinVar:

NM_153240.5(NPHP3):c.2518G>A (p.Val840Ile)

Genes: NPHP3-ACAD11 (NPHP3-ACAD11 readthrough (NMD candidate); minus strand), NPHP3 (nephrocystin 3; minus strand). Cytogenetic location: 3q22.1.
Variant type: single nucleotide variant.
Coding change: c.2518G>A on transcript NM_153240.5 (MANE Select); coding-DNA position 2518, G replaced by A.
Protein change: p.Val840Ile; replaces valine 840 with isoleucine.
Molecular consequence: missense variant. On other transcripts: non-coding transcript variant (1).
Genome position (GRCh38, 1-based): chr3:132,691,244, C>T on the plus strand (G>A on the coding strand, the complement: NPHP3 is on the minus strand). VCF-style: chr3-132691244-C-T. GRCh37 (hg19) VCF-style: chr3-132410088-C-T.
Other names: p.Val840Ile; short protein forms V840I.
Identifiers: ClinVar variation 1417740 (VCV001417740.8), dbSNP rs138865996, ClinGen allele CA2621991.

ClinVar aggregate classification (germline): Uncertain significance. Review status: criteria provided, multiple submitters, no conflicts (2 of 4 stars). 3 submissions from 3 submitters: Uncertain significance (3). Last evaluated 2025-03-27.

Conditions:
Nephronophthisis. Also called: Juvenile Nephronophthisis. Identifiers: Orphanet 655, MedGen C0687120, MONDO:0019005, HP:0000090.
Renal-hepatic-pancreatic dysplasia 1 (RHPD1). Identifiers: MedGen C3715199, MONDO:0008833, OMIM 208540.
Nephronophthisis 3 (NPHP3). Also called: Adolescent nephronophthisis. Identifiers: Orphanet 655, MedGen C1858392, MONDO:0011456, OMIM 604387.
NPHP3-related Meckel-like syndrome. Also called: GOLDSTON SYNDROME; Meckel syndrome type 7. Identifiers: Orphanet 3032, MedGen C2673885, MONDO:0009966, OMIM 267010.

Allele frequency attached by ClinVar (database versions not stated): TOPMed 0.00001; ExAC 0.00002; ESP Exome Variant Server 0.00008.
gnomAD v4.1: 1 of 1,613,422 alleles (0.000062%); highest among the groups gnomAD compares: South Asian, 0.0011%; no homozygotes.

Submissions (3):

Mayo Clinic Laboratories, Mayo Clinic
Classification: Uncertain significance. Last evaluated: 2025-03-27. Review status: criteria provided, single submitter. Criteria: ACMG Guidelines, 2015. Collection method: clinical testing. Allele origin: germline. Observed: 1 variant allele.
Comment: BP4, PM2_supporting

Fulgent Genetics
Classification: Uncertain significance for Renal-hepatic-pancreatic dysplasia 1; NPHP3-related Meckel-like syndrome; Nephronophthisis 3. Last evaluated: 2024-04-15. Review status: criteria provided, single submitter. Criteria: ACMG Guidelines, 2015. Collection method: clinical testing. Allele origin: germline.

Labcorp Genetics (formerly Invitae), Labcorp
Classification: Uncertain significance for Nephronophthisis. Last evaluated: 2022-01-06. Review status: criteria provided, single submitter. Criteria: Invitae Variant Classification Sherloc (09022015). Collection method: clinical testing. Allele origin: germline.
Comment: In summary, the available evidence is currently insufficient to determine the role of this variant in disease. Therefore, it has been classified as a Variant of Uncertain Significance. Algorithms developed to predict the effect of missense changes on protein structure and function output the following: SIFT: "Tolerated"; PolyPhen-2: "Benign"; Align-GVGD: "Class C0". The isoleucine amino acid residue is found in multiple mammalian species, which suggests that this missense change does not adversely affect protein function. This variant has not been reported in the literature in individuals affected with NPHP3-related conditions. The frequency data for this variant in the population databases is considered unreliable, as metrics indicate poor data quality at this position in the gnomAD database. This sequence change replaces valine, which is neutral and non-polar, with isoleucine, which is neutral and non-polar, at codon 840 of the NPHP3 protein (p.Val840Ile).